The following is an entry in ClinVar:

ClinVar aggregate classification (germline): Uncertain significance (1 of 4 stars; one submission).

Conditions:
Hereditary cancer-predisposing syndrome. Also called: Neoplastic Syndromes, Hereditary; Tumor predisposition; Hereditary Cancer Syndrome; Hereditary neoplastic syndrome. Identifiers: Orphanet 140162, MedGen C0027672, MeSH D009386, MONDO:0015356.

Submission:

Ambry Genetics
Classification: Uncertain significance for Hereditary cancer-predisposing syndrome. Last evaluated: 2022-06-09. Review status: criteria provided, single submitter. Criteria: Ambry Variant Classification Scheme 2023. Collection method: clinical testing. Allele origin: germline.
Comment: The p.F679L variant (also known as c.2037T>G), located in coding exon 14 of the TSC1 gene, results from a T to G substitution at nucleotide position 2037. The phenylalanine at codon 679 is replaced by leucine, an amino acid with highly similar properties. This amino acid position is conserved. In addition, the in silico prediction for this alteration is inconclusive. Since supporting evidence is limited at this time, the clinical significance of this alteration remains unclear.

NM_000368.5(TSC1):c.2037T>G (p.Phe679Leu)

Gene: TSC1 (TSC complex subunit 1; minus strand). Cytogenetic location: 9q34.13.
Variant type: single nucleotide variant.
Coding change: c.2037T>G on transcript NM_000368.5 (MANE Select); coding-DNA position 2037, T replaced by G.
Protein change: p.Phe679Leu; replaces phenylalanine 679 with leucine.
Molecular consequence: missense variant.
Genome position (GRCh38, 1-based): chr9:132,904,415, A>C on the plus strand (T>G on the coding strand, the complement: TSC1 is on the minus strand). VCF-style: chr9-132904415-A-C. GRCh37 (hg19) VCF-style: chr9-135779802-A-C.
Other names: c.2034T>G, p.Phe678Leu (NM_001162426.2, NM_001406597.1, NM_001406598.1 and 6 more transcripts); c.1884T>G, p.Phe628Leu (NM_001162427.2, NM_001406610.1); c.1674T>G, p.Phe558Leu (NM_001362177.2, NM_001406614.1, NM_001406615.1 and 5 more transcripts); c.2037T>G, p.Phe679Leu (NM_001406592.1, NM_001406593.1, NM_001406594.1 and 7 more transcripts); c.1881T>G, p.Phe627Leu (NM_001406611.1, NM_001406612.1, NM_001406613.1); c.1671T>G, p.Phe557Leu (NM_001406620.1, NM_001406621.1, NM_001406622.1 and 2 more transcripts); c.1086T>G, p.Phe362Leu (NM_001406626.1); c.1083T>G, p.Phe361Leu (NM_001406627.1, NM_001406628.1); and 1 more; short protein forms F362L, F678L, F679L, F558L, F328L, F557L, F361L, F627L.
Identifiers: ClinVar variation 1784839 (VCV001784839.2), dbSNP rs2538676299, ClinGen allele CA375361228.